The following is an entry in ClinVar:

ClinVar aggregate classification (germline): Uncertain significance. Review status: criteria provided, single submitter (1 of 4 stars). 2 submissions from 2 submitters: Uncertain significance (1). 1 of the submissions does not count toward it. Last evaluated 2024-12-10.

Allele frequency attached by ClinVar (database versions not stated): ExAC 0.00002; TOPMed 0.00002; gnomAD 0.00003.
gnomAD v4.1: 45 of 1,613,682 alleles (0.0028%); highest among the groups gnomAD compares: Middle Eastern, 0.017%; no homozygotes.

Submissions (2):

Ambry Genetics
Classification: Uncertain significance. Last evaluated: 2024-12-10. Review status: criteria provided, single submitter. Criteria: Ambry Variant Classification Scheme 2023. Collection method: clinical testing. Allele origin: germline.

ITMI
No classification provided. Condition: AllHighlyPenetrant. Last evaluated: 2013-09-19. Review status: no classification provided. Collection method: reference population. Allele origin: germline. Not counted in ClinVar's aggregate classification.
Comment: Please see associated publication for description of ethnicities

Literature cited by the submitters: PubMed 24728327 (cited by ITMI).

NM_001077706.3(ECT2L):c.614G>A (p.Arg205Gln)

Gene: ECT2L (epithelial cell transforming 2 like; plus strand). Cytogenetic location: 6q24.1.
Variant type: single nucleotide variant.
Coding change: c.614G>A on transcript NM_001077706.3 (MANE Select); coding-DNA position 614, G replaced by A.
Protein change: p.Arg205Gln; replaces arginine 205 with glutamine.
Molecular consequence: missense variant.
Genome position (GRCh38, 1-based): chr6:138,844,430, G>A. VCF-style: chr6-138844430-G-A. GRCh37 (hg19) VCF-style: chr6-139165567-G-A.
Other names: c.614G>A, p.Arg205Gln (NM_001195037.2); c.614G>A (NM_001077706.2); short protein forms R205Q.
Identifiers: ClinVar variation 134010 (VCV000134010.2), dbSNP rs587778245, ClinGen allele CA158408.